The following is an entry in ClinVar:

ClinVar aggregate classification (germline): Benign/Likely benign. Review status: criteria provided, multiple submitters, no conflicts (2 of 4 stars). 3 submissions from 3 submitters: Benign (1); Likely benign (2). Last evaluated 2026-04-01.

Conditions:
KMT2C-related NDD.

Allele frequency attached by ClinVar (database versions not stated): ExAC 0.00002; gnomAD 0.00005; TOPMed 0.00005; ESP Exome Variant Server 0.00008; gnomAD exomes 0.00008.
gnomAD v4.1: 136 of 1,614,008 alleles (0.0084%); highest among the groups gnomAD compares: Non-Finnish European, 0.01%; no homozygotes.

Submissions (3):

CeGaT Center for Human Genetics Tuebingen
Classification: Likely benign. Last evaluated: 2026-04-01. Review status: criteria provided, single submitter. Criteria: CeGaT Center For Human Genetics Tuebingen Variant Classification Criteria Version 2. Collection method: clinical testing. Allele origin: germline. Affected: yes. Observed: 1 variant allele.
Comment: KMT2C: BP1, BP4, BS2

Labcorp Genetics (formerly Invitae), Labcorp
Classification: Likely benign. Last evaluated: 2023-06-29. Review status: criteria provided, single submitter. Criteria: Invitae Variant Classification Sherloc (09022015). Collection method: clinical testing. Allele origin: germline.

Laboratory of Genetics, Children's Clinical University Hospital Latvia
Classification: Benign for KMT2C-related NDD. Review status: criteria provided, single submitter. Criteria: ACMG Guidelines, 2015. Collection method: research. Allele origin: paternal. Affected: yes.

Literature cited by the submitters: PubMed 39013459 (cited by Laboratory of Genetics, Children's Clinical University Hospital Latvia).

NM_170606.3(KMT2C):c.8974G>A (p.Gly2992Arg)

Gene: KMT2C (lysine methyltransferase 2C; minus strand). Cytogenetic location: 7q36.1.
Variant type: single nucleotide variant.
Coding change: c.8974G>A on transcript NM_170606.3 (MANE Select); coding-DNA position 8974, G replaced by A.
Protein change: p.Gly2992Arg; replaces glycine 2992 with arginine.
Molecular consequence: missense variant.
Genome position (GRCh38, 1-based): chr7:152,176,479, C>T on the plus strand (G>A on the coding strand, the complement: KMT2C is on the minus strand). VCF-style: chr7-152176479-C-T. GRCh37 (hg19) VCF-style: chr7-151873564-C-T.
Other names: short protein forms G2992R.
Identifiers: ClinVar variation 2074662 (VCV002074662.7), dbSNP rs141611378, ClinGen allele CA4579582.